The following is an entry in ClinVar:

NM_032888.4(COL27A1):c.168G>A (p.Trp56Ter)

Gene: COL27A1 (collagen type XXVII alpha 1 chain; plus strand). Cytogenetic location: 9q32.
Variant type: single nucleotide variant.
Coding change: c.168G>A on transcript NM_032888.4 (MANE Select); coding-DNA position 168, G replaced by A.
Protein change: p.Trp56Ter; replaces tryptophan 56 with a stop codon.
Molecular consequence: nonsense.
Genome position (GRCh38, 1-based): chr9:114,167,723, G>A. VCF-style: chr9-114167723-G-A. GRCh37 (hg19) VCF-style: chr9-116930003-G-A.
Other names: short protein forms W56*.
Identifiers: ClinVar variation 2826390 (VCV002826390.3), dbSNP rs2490546871, ClinGen allele CA374588513.

ClinVar aggregate classification (germline): Pathogenic (1 of 4 stars; one submission).

Submission:

Labcorp Genetics (formerly Invitae), Labcorp
Classification: Pathogenic. Last evaluated: 2023-05-16. Review status: criteria provided, single submitter. Criteria: Invitae Variant Classification Sherloc (09022015). Collection method: clinical testing. Allele origin: germline.
Comment: This sequence change creates a premature translational stop signal (p.Trp56*) in the COL27A1 gene. It is expected to result in an absent or disrupted protein product. Loss-of-function variants in COL27A1 are known to be pathogenic (PMID: 24986830, 28276056). This variant is not present in population databases (gnomAD no frequency). For these reasons, this variant has been classified as Pathogenic. This variant has not been reported in the literature in individuals affected with COL27A1-related conditions.

Literature cited by the submitters: PubMed 24986830; PubMed 28276056.